The following is an entry in ClinVar:

ClinVar aggregate classification (germline): Uncertain significance (1 of 4 stars; one submission).

Conditions:
Cardiovascular phenotype. Identifiers: MedGen CN230736.

Submission:

Ambry Genetics
Classification: Uncertain significance for Cardiovascular phenotype. Last evaluated: 2026-05-17. Review status: criteria provided, single submitter. Criteria: Ambry Variant Classification Scheme 2023. Collection method: clinical testing. Allele origin: germline.
Comment: The p.I1175T variant (also known as c.3524T>C), located in coding exon 25 of the LAMA4 gene, results from a T to C substitution at nucleotide position 3524. The isoleucine at codon 1175 is replaced by threonine, an amino acid with similar properties. This amino acid position is conserved. In addition, the in silico prediction for this alteration is inconclusive. Based on the available evidence, the clinical significance of this variant remains unclear.

NM_001105206.3(LAMA4):c.3545T>C (p.Ile1182Thr)

Gene: LAMA4 (laminin subunit alpha 4; minus strand). Cytogenetic location: 6q21.
Variant type: single nucleotide variant.
Coding change: c.3545T>C on transcript NM_001105206.3 (MANE Select); coding-DNA position 3545, T replaced by C.
Protein change: p.Ile1182Thr; replaces isoleucine 1182 with threonine.
Molecular consequence: missense variant.
Genome position (GRCh38, 1-based): chr6:112,134,479, A>G on the plus strand (T>C on the coding strand, the complement: LAMA4 is on the minus strand). VCF-style: chr6-112134479-A-G. GRCh37 (hg19) VCF-style: chr6-112455681-A-G.
Other names: c.3524T>C, p.Ile1175Thr (NM_001105207.3, NM_002290.5); short protein forms I1175T, I1182T.
Identifiers: ClinVar variation 4859098 (VCV004859098.1).
Genomic context (GRCh38, chr6:112,134,479, plus strand): 5'-GCCCAGTACATTGCTAGGAACAAACAGCTACTTAACAAAAAGCCTTACCTGGATTGTAAG[A>G]TTTCTGGAGGAGCTCCTCCAATGTATATATCTGTAAAAGGTATTTTCATCTTTTCATTAT-3'
Protein context (NP_001098676.2, residues 1172-1192): DIYIGGAPPE[Ile1182Thr]LQSRALRAHL